The following is an entry in ClinVar:

NM_000038.6(APC):c.7930_7934del (p.Ile2644fs)

Gene: APC (APC regulator of Wnt signaling pathway; plus strand). Cytogenetic location: 5q22.2.
Variant type: Deletion.
Coding change: c.7930_7934del on transcript NM_000038.6 (MANE Select); coding-DNA positions 7930 to 7934, 5 bases deleted (ATTTA; older notation c.7930_7934delATTTA).
Protein change: p.Ile2644fs; shifts the reading frame from isoleucine 2644.
Molecular consequence: frameshift variant.
Genome position (GRCh38, 1-based): chr5:112,843,524-112,843,528, ATTTA deleted; deleting any 5 consecutive bases within chr5:112,843,522-112,843,528 gives the same sequence; the c. name uses the placement nearest the transcript's 3' end. VCF-style (leftmost placement, unchanged base first): chr5-112843521-CTAATT-C. GRCh37 (hg19) VCF-style: chr5-112179218-CTAATT-C.
Other names: c.7930_7934del, p.Ile2644fs (NM_001127510.3, NM_001354895.2); c.7876_7880del, p.Ile2626fs (NM_001127511.3); c.7984_7988del, p.Ile2662fs (NM_001354896.2); c.7960_7964del, p.Ile2654fs (NM_001354897.2); c.7855_7859del, p.Ile2619fs (NM_001354898.2); c.7846_7850del, p.Ile2616fs (NM_001354899.2); c.7807_7811del, p.Ile2603fs (NM_001354900.2); c.7753_7757del, p.Ile2585fs (NM_001354901.2); and 5 more; short protein forms I2484fs, I2518fs, I2619fs, I2626fs, I2616fs, I2644fs, I2654fs, I2361fs.
Identifiers: ClinVar variation 567733 (VCV000567733.3), dbSNP rs1561619376, ClinGen allele CA891843090.
Genomic context (GRCh38, chr5:112,843,521, plus strand): 5'-ACAAATAGTACTTCTCAGACCGTTTCCTCAGGTGCTACAAATGGTGCTGAATCAAAGACT[CTAATT>C]TATCAAATGGCACCTGCTGTTTCTAAAACAGAGGATGTTTGGGTGAGAATTGAGGACTGT-3'

ClinVar aggregate classification (germline): Pathogenic/Likely pathogenic. Review status: criteria provided, multiple submitters, no conflicts (2 of 4 stars). 3 submissions from 3 submitters: Pathogenic (2); Likely pathogenic (1). Last evaluated 2024-10-16.

Conditions:
Hereditary cancer-predisposing syndrome. Also called: Neoplastic Syndromes, Hereditary; Tumor predisposition; Hereditary neoplastic syndrome; Hereditary Cancer Syndrome. Identifiers: Orphanet 140162, MedGen C0027672, MeSH D009386, MONDO:0015356.
Familial adenomatous polyposis 1 (FAP1). Also called: FAMILIAL ADENOMATOUS POLYPOSIS 1, ATTENUATED; POLYPOSIS, ADENOMATOUS INTESTINAL. Identifiers: MedGen C2713442, MONDO:0021056, OMIM 175100. Disease mechanism: loss of function.

Submissions (3):

Ambry Genetics
Classification: Likely pathogenic for Hereditary cancer-predisposing syndrome. Last evaluated: 2024-10-16. Review status: criteria provided, single submitter. Criteria: Ambry Variant Classification Scheme 2023. Collection method: clinical testing. Allele origin: germline.
Comment: The c.7930_7934delATTTA variant, located in coding exon 15 of the APC gene, results from a deletion of 5 nucleotides at nucleotide positions 7930 to 7934, causing a translational frameshift with a predicted alternate stop codon (p.I2644Sfs*8). This alteration occurs at the 3' terminus of theAPC gene, is not expected to trigger nonsense-mediated mRNA decay, and only impacts the last 7% of the protein. However, premature stop codons are typically deleterious in nature and the impacted region is critical for protein function (Ambry internal data). This variant is considered to be rare based on population cohorts in the Genome Aggregation Database (gnomAD). Based on the majority of available evidence to date, this variant is likely to be pathogenic.

Myriad Genetics, Inc.
Classification: Pathogenic for Familial adenomatous polyposis 1. Last evaluated: 2023-05-16. Review status: criteria provided, single submitter. Criteria: Myriad Autosomal Dominant, Autosomal Recessive and X-Linked Classification Criteria (2023). Collection method: clinical testing. Allele origin: unknown.
Comment: This variant is considered pathogenic. This variant creates a frameshift predicted to result in premature protein truncation.

Labcorp Genetics (formerly Invitae), Labcorp
Classification: Pathogenic for Familial adenomatous polyposis 1. Last evaluated: 2018-06-24. Review status: criteria provided, single submitter. Criteria: Invitae Variant Classification Sherloc (09022015). Collection method: clinical testing. Allele origin: germline.
Comment: This sequence change results in a premature translational stop signal in the APC gene (p.Ile2644Serfs*8). While this is not anticipated to result in nonsense mediated decay, it is expected to disrupt the last 200 amino acids of the APC protein. This variant is not present in population databases (ExAC no frequency). This variant has not been reported in the literature in individuals with APC-related disease. This variant is expected to disrupt the EB1 and HDLG binding sites, which mediate interactions with the cytoskeleton (PMID: 15311282, 17293347).Â¬â€ While functional studies have not been performed to directly test the effect on APC protein function, this suggests that disruption of the C-terminal portion of the protein is functionally important. A different truncation, c.7932_7935del (p.Tyr2645Lysfs*14), that lies downstream of this variant has been determined to be pathogenicÂ¬â€ (PMID: 9824584, 1316610, 27081525, 8381579, 22135120, Invitae). For these reasons, this variant has been classified as Pathogenic.

Literature cited by the submitters: PubMed 9824584 (cited by Labcorp Genetics (formerly Invitae), Labcorp); PubMed 22135120 (cited by Labcorp Genetics (formerly Invitae), Labcorp); PubMed 27081525 (cited by Labcorp Genetics (formerly Invitae), Labcorp); PubMed 17293347 (cited by Labcorp Genetics (formerly Invitae), Labcorp); PubMed 1316610 (cited by Labcorp Genetics (formerly Invitae), Labcorp); PubMed 8381579 (cited by Labcorp Genetics (formerly Invitae), Labcorp); PubMed 15311282 (cited by Labcorp Genetics (formerly Invitae), Labcorp).